The following is an entry in ClinVar:

NM_207352.4(CYP4V2):c.641A>G (p.Asn214Ser)

Gene: CYP4V2 (cytochrome P450 family 4 subfamily V member 2; plus strand). Cytogenetic location: 4q35.1.
Variant type: single nucleotide variant.
Coding change: c.641A>G on transcript NM_207352.4 (MANE Select); coding-DNA position 641, A replaced by G.
Protein change: p.Asn214Ser; replaces asparagine 214 with serine.
Molecular consequence: missense variant.
Genome position (GRCh38, 1-based): chr4:186,197,569, A>G. VCF-style: chr4-186197569-A-G. GRCh37 (hg19) VCF-style: chr4-187118723-A-G.
Other names: short protein forms N214S.
Identifiers: ClinVar variation 1906610 (VCV001906610.2), dbSNP rs1280153597, ClinGen allele CA358947773.

ClinVar aggregate classification (germline): Uncertain significance (1 of 4 stars; one submission).

Allele frequency attached by ClinVar (database versions not stated): gnomAD exomes below 0.00001; gnomAD 0.00001.

Submission:

Labcorp Genetics (formerly Invitae), Labcorp
Classification: Uncertain significance. Last evaluated: 2022-02-20. Review status: criteria provided, single submitter. Criteria: Invitae Variant Classification Sherloc (09022015). Collection method: clinical testing. Allele origin: germline.
Comment: This sequence change replaces asparagine, which is neutral and polar, with serine, which is neutral and polar, at codon 214 of the CYP4V2 protein (p.Asn214Ser). This variant is present in population databases (no rsID available, gnomAD 0.003%). This variant has not been reported in the literature in individuals affected with CYP4V2-related conditions. Advanced modeling of protein sequence and biophysical properties (such as structural, functional, and spatial information, amino acid conservation, physicochemical variation, residue mobility, and thermodynamic stability) performed at Invitae indicates that this missense variant is not expected to disrupt CYP4V2 protein function. In summary, the available evidence is currently insufficient to determine the role of this variant in disease. Therefore, it has been classified as a Variant of Uncertain Significance.